The following is an entry in ClinVar:

ClinVar aggregate classification (germline): Uncertain significance (1 of 4 stars; one submission).

Submission:

Labcorp Genetics (formerly Invitae), Labcorp
Classification: Uncertain significance. Last evaluated: 2021-04-14. Review status: criteria provided, single submitter. Criteria: Invitae Variant Classification Sherloc (09022015). Collection method: clinical testing. Allele origin: germline.
Comment: In summary, the available evidence is currently insufficient to determine the role of this variant in disease. Therefore, it has been classified as a Variant of Uncertain Significance. Algorithms developed to predict the effect of missense changes on protein structure and function (SIFT, PolyPhen-2, Align-GVGD) all suggest that this variant is likely to be tolerated, but these predictions have not been confirmed by published functional studies and their clinical significance is uncertain. This variant has not been reported in the literature in individuals with ASPM-related conditions. This variant is not present in population databases (ExAC no frequency). This sequence change replaces histidine with glutamine at codon 314 of the ASPM protein (p.His314Gln). The histidine residue is weakly conserved and there is a small physicochemical difference between histidine and glutamine.

NM_018136.5(ASPM):c.942T>G (p.His314Gln)

Gene: ASPM (assembly factor for spindle microtubules; minus strand). Cytogenetic location: 1q31.3.
Variant type: single nucleotide variant.
Coding change: c.942T>G on transcript NM_018136.5 (MANE Select); coding-DNA position 942, T replaced by G.
Protein change: p.His314Gln; replaces histidine 314 with glutamine.
Molecular consequence: missense variant.
Genome position (GRCh38, 1-based): chr1:197,143,310, A>C on the plus strand (T>G on the coding strand, the complement: ASPM is on the minus strand). VCF-style: chr1-197143310-A-C. GRCh37 (hg19) VCF-style: chr1-197112440-A-C.
Other names: c.942T>G, p.His314Gln (NM_001206846.2); short protein forms H314Q.
Identifiers: ClinVar variation 1374278 (VCV001374278.8), dbSNP rs2125114403, ClinGen allele CA344018334.